The following is an entry in ClinVar:

NM_001036.6(RYR3):c.9241A>G (p.Asn3081Asp)

Gene: RYR3 (ryanodine receptor 3; plus strand). Cytogenetic location: 15q14.
Variant type: single nucleotide variant.
Coding change: c.9241A>G on transcript NM_001036.6 (MANE Select); coding-DNA position 9241, A replaced by G.
Protein change: p.Asn3081Asp; replaces asparagine 3081 with aspartic acid.
Molecular consequence: missense variant.
Genome position (GRCh38, 1-based): chr15:33,780,314, A>G. VCF-style: chr15-33780314-A-G. GRCh37 (hg19) VCF-style: chr15-34072515-A-G.
Other names: c.9241A>G, p.Asn3081Asp (NM_001243996.4); short protein forms N3081D.
Identifiers: ClinVar variation 852201 (VCV000852201.11), dbSNP rs2074306451, ClinGen allele CA391590001.

ClinVar aggregate classification (germline): Uncertain significance (1 of 4 stars; one submission).

Conditions:
Epileptic encephalopathy. Identifiers: MedGen C0543888, HP:0200134.

Submission:

Labcorp Genetics (formerly Invitae), Labcorp
Classification: Uncertain significance for Epileptic encephalopathy. Last evaluated: 2022-10-17. Review status: criteria provided, single submitter. Criteria: Invitae Variant Classification Sherloc (09022015). Collection method: clinical testing. Allele origin: germline.
Comment: This sequence change replaces asparagine, which is neutral and polar, with aspartic acid, which is acidic and polar, at codon 3081 of the RYR3 protein (p.Asn3081Asp). This variant is not present in population databases (gnomAD no frequency). This variant has not been reported in the literature in individuals affected with RYR3-related conditions. ClinVar contains an entry for this variant (Variation ID: 852201). Advanced modeling of protein sequence and biophysical properties (such as structural, functional, and spatial information, amino acid conservation, physicochemical variation, residue mobility, and thermodynamic stability) performed at Invitae indicates that this missense variant is not expected to disrupt RYR3 protein function. In summary, the available evidence is currently insufficient to determine the role of this variant in disease. Therefore, it has been classified as a Variant of Uncertain Significance.